The following is an entry in ClinVar:

ClinVar aggregate classification (germline): Uncertain significance (1 of 4 stars; one submission).

Conditions:
Hereditary cancer-predisposing syndrome. Also called: Neoplastic Syndromes, Hereditary; Tumor predisposition; Hereditary neoplastic syndrome; Hereditary Cancer Syndrome. Identifiers: Orphanet 140162, MedGen C0027672, MeSH D009386, MONDO:0015356.

Submission:

Ambry Genetics
Classification: Uncertain significance for Hereditary cancer-predisposing syndrome. Last evaluated: 2019-05-22. Review status: criteria provided, single submitter. Criteria: Ambry Variant Classification Scheme 2023. Collection method: clinical testing. Allele origin: germline.
Comment: The p.E1397Q variant (also known as c.4189G>C), located in coding exon 15 of the APC gene, results from a G to C substitution at nucleotide position 4189. The glutamic acid at codon 1397 is replaced by glutamine, an amino acid with highly similar properties. This amino acid position is well conserved in available vertebrate species. In addition, in silico predictors for this gene do not accurately predict pathogenicity. Since supporting evidence is limited at this time, the clinical significance of this alteration remains unclear.

NM_000038.6(APC):c.4189G>C (p.Glu1397Gln)

Gene: APC (APC regulator of Wnt signaling pathway; plus strand). Cytogenetic location: 5q22.2.
Variant type: single nucleotide variant.
Coding change: c.4189G>C on transcript NM_000038.6 (MANE Select); coding-DNA position 4189, G replaced by C.
Protein change: p.Glu1397Gln; replaces glutamic acid 1397 with glutamine.
Molecular consequence: missense variant.
Genome position (GRCh38, 1-based): chr5:112,839,783, G>C. VCF-style: chr5-112839783-G-C. GRCh37 (hg19) VCF-style: chr5-112175480-G-C.
Other names: c.4189G>C, p.Glu1397Gln (NM_001127510.3, NM_001354895.2); c.4135G>C, p.Glu1379Gln (NM_001127511.3); c.4243G>C, p.Glu1415Gln (NM_001354896.2); c.4219G>C, p.Glu1407Gln (NM_001354897.2); c.4114G>C, p.Glu1372Gln (NM_001354898.2); c.4105G>C, p.Glu1369Gln (NM_001354899.2); c.4066G>C, p.Glu1356Gln (NM_001354900.2); c.4012G>C, p.Glu1338Gln (NM_001354901.2); and 5 more; short protein forms E1296Q, E1369Q, E1379Q, E1415Q, E1237Q, E1271Q, E1114Q, E1338Q.
Identifiers: ClinVar variation 824655 (VCV000824655.4), dbSNP rs1580645082, ClinGen allele CA16030511.